The following is an entry in ClinVar:

NM_001042492.3(NF1):c.1935G>A (p.Met645Ile)

Gene: NF1 (neurofibromin 1; plus strand). Cytogenetic location: 17q11.2.
Variant type: single nucleotide variant.
Coding change: c.1935G>A on transcript NM_001042492.3 (MANE Select); coding-DNA position 1935, G replaced by A.
Protein change: p.Met645Ile; replaces methionine 645 with isoleucine.
Molecular consequence: missense variant.
Genome position (GRCh38, 1-based): chr17:31,225,184, G>A. VCF-style: chr17-31225184-G-A. GRCh37 (hg19) VCF-style: chr17-29552202-G-A.
Other names: c.1935G>A, p.Met645Ile (NM_000267.4); short protein forms M645I.
Identifiers: ClinVar variation 820376 (VCV000820376.8), dbSNP rs1597710605, ClinGen allele CA399005404.

ClinVar aggregate classification (germline): Conflicting classifications of pathogenicity. Review status: criteria provided, conflicting classifications (1 of 4 stars). 2 submissions from 2 submitters: Uncertain significance (1); Likely benign (1). Last evaluated 2026-04-16.

Conditions:
Cardiovascular phenotype. Identifiers: MedGen CN230736.
Hereditary cancer-predisposing syndrome. Also called: Neoplastic Syndromes, Hereditary; Hereditary neoplastic syndrome; Hereditary Cancer Syndrome; Tumor predisposition. Identifiers: Orphanet 140162, MedGen C0027672, MeSH D009386, MONDO:0015356.
Neurofibromatosis, type 1 (NF1). Also called: VON RECKLINGHAUSEN DISEASE; Neurofibromatosis, type I; NEUROFIBROMATOSIS, TYPE I, SOMATIC; Peripheral type neurofibromatosis. Identifiers: Orphanet 636, MedGen C0027831, MONDO:0018975, OMIM 162200. Disease mechanism: loss of function.

Allele frequency attached by ClinVar (database versions not stated): TOPMed below 0.00001.

Submissions (2):

Ambry Genetics
Classification: Likely benign for Cardiovascular phenotype; Hereditary cancer-predisposing syndrome. Last evaluated: 2026-04-16. Review status: criteria provided, single submitter. Criteria: Ambry Variant Classification Scheme 2023. Collection method: clinical testing. Allele origin: germline.

Labcorp Genetics (formerly Invitae), Labcorp
Classification: Uncertain significance for Neurofibromatosis, type 1. Last evaluated: 2023-05-13. Review status: criteria provided, single submitter. Criteria: Invitae Variant Classification Sherloc (09022015). Collection method: clinical testing. Allele origin: germline.
Comment: This variant has not been reported in the literature in individuals affected with NF1-related conditions. This variant is not present in population databases (gnomAD no frequency). ClinVar contains an entry for this variant (Variation ID: 820376). This sequence change replaces methionine, which is neutral and non-polar, with isoleucine, which is neutral and non-polar, at codon 645 of the NF1 protein (p.Met645Ile). In summary, the available evidence is currently insufficient to determine the role of this variant in disease. Therefore, it has been classified as a Variant of Uncertain Significance. Advanced modeling of protein sequence and biophysical properties (such as structural, functional, and spatial information, amino acid conservation, physicochemical variation, residue mobility, and thermodynamic stability) performed at Invitae indicates that this missense variant is not expected to disrupt NF1 protein function.